The following is an entry in ClinVar:

ClinVar aggregate classification (germline): Likely benign (0 of 4 stars; one submission).

Conditions:
PLXNA3-related disorder. Also called: PLXNA3-related condition.

Allele frequency attached by ClinVar (database versions not stated): gnomAD exomes 0.00004; gnomAD 0.00009; TOPMed 0.00010; ExAC 0.00023.
gnomAD v4.1: 57 of 1,172,610 alleles (0.0049%); highest among the groups gnomAD compares: Admixed American, 0.052%; no homozygotes.

Submission:

PreventionGenetics, part of Exact Sciences
Classification: Likely benign for PLXNA3-related condition. Last evaluated: 2022-07-05. Review status: no assertion criteria provided. Collection method: clinical testing. Allele origin: germline.
Comment: This variant is classified as likely benign based on ACMG/AMP sequence variant interpretation guidelines (Richards et al. 2015 PMID: 25741868, with internal and published modifications).

NM_017514.5(PLXNA3):c.1547+9G>A

Gene: PLXNA3 (plexin A3; plus strand). Cytogenetic location: Xq28.
Variant type: single nucleotide variant.
Coding change: c.1547+9G>A on transcript NM_017514.5 (MANE Select); 9 bases into the intron after coding-DNA position 1547, G replaced by A.
Molecular consequence: intron variant.
Genome position (GRCh38, 1-based): chrX:154,463,699, G>A. VCF-style: chrX-154463699-G-A. GRCh37 (hg19) VCF-style: chrX-153692042-G-A.
Identifiers: ClinVar variation 3031907 (VCV003031907.2), dbSNP rs782688241, ClinGen allele CA10564066.
Genomic context (GRCh38, chrX:154,463,699, plus strand): 5'-CCTGCCTGGGCTCCGGGGACCCGCACTGTGGTTGGTGTGTGCTGCGACACAGGTGAGGGC[G>A]GGGACCCCTGCTCGGGGAGTTGGAGGGCCCCACTGGCCAGGGGGAGCCAGCCACACCCAG-3'